The following is an entry in ClinVar:

NM_021930.6(RINT1):c.854C>A (p.Thr285Asn)

Gene: RINT1 (RAD50 interactor 1; plus strand). Cytogenetic location: 7q22.3.
Variant type: single nucleotide variant.
Coding change: c.854C>A on transcript NM_021930.6 (MANE Select); coding-DNA position 854, C replaced by A.
Protein change: p.Thr285Asn; replaces threonine 285 with asparagine.
Molecular consequence: missense variant. On other transcripts: 5 prime UTR variant (2), non-coding transcript variant (1), intron variant (1).
Genome position (GRCh38, 1-based): chr7:105,548,568, C>A. VCF-style: chr7-105548568-C-A. GRCh37 (hg19) VCF-style: chr7-105189015-C-A.
Other names: c.620C>A, p.Thr207Asn (NM_001346599.2); c.-166C>A (NM_001346600.2); c.-71C>A (NM_001346601.2); c.-27-1487C>A (NM_001346603.2); short protein forms T207N, T285N.
Identifiers: ClinVar variation 2447189 (VCV002447189.3), dbSNP rs1441995300, ClinGen allele CA368807844.
Genomic context (GRCh38, chr7:105,548,568, plus strand): 5'-TATTAGGTATGCTTTTGATTCTTTTTCCTTGACTTGATTATGTCAGAGATGAATTACTTA[C>A]TGAGCCAAAGCAACTCCCAGAAAAATACTCTCTTCCTGCCTCCCCTTCTGTCATCCTGCC-3'
Protein context (NP_068749.3, residues 275-295): LKLQTSDELL[Thr285Asn]EPKQLPEKYS

ClinVar aggregate classification (germline): Uncertain significance (1 of 4 stars; one submission).

gnomAD v4.1: 1 of 1,614,084 alleles (0.000062%); highest among the groups gnomAD compares: East Asian, 0.0022%; no homozygotes.

Submission:

Ambry Genetics
Classification: Uncertain significance. Last evaluated: 2025-02-20. Review status: criteria provided, single submitter. Criteria: Ambry Variant Classification Scheme 2023. Collection method: clinical testing. Allele origin: germline.
Comment: The p.T285N variant (also known as c.854C>A), located in coding exon 7 of the RINT1 gene, results from a C to A substitution at nucleotide position 854. The threonine at codon 285 is replaced by asparagine, an amino acid with similar properties. This amino acid position is conserved. In addition, this alteration is predicted to be tolerated by in silico analysis. Since supporting evidence is limited at this time, the clinical significance of this alteration remains unclear.